The following is an entry in ClinVar:

ClinVar aggregate classification (germline): Uncertain significance. Review status: criteria provided, multiple submitters, no conflicts (2 of 4 stars). 2 submissions from 2 submitters: Uncertain significance (2). Last evaluated 2024-10-16.

gnomAD v4.1: 8 of 1,202,292 alleles (0.00067%); highest among the groups gnomAD compares: African/African-American, 0.0053%; no homozygotes.

Submissions (2):

Women's Health and Genetics/Laboratory Corporation of America, LabCorp
Classification: Uncertain significance. Last evaluated: 2024-10-16. Review status: criteria provided, single submitter. Criteria: LabCorp Variant Classification Summary - May 2015. Collection method: clinical testing. Allele origin: germline.
Comment: Variant summary: HS6ST2 c.1742C>T (p.Pro581Leu) results in a non-conservative amino acid change in the encoded protein sequence. Three of five in-silico tools predict a benign effect of the variant on protein function. The variant was absent in 172563 control chromosomes. The available data on variant occurrences in the general population are insufficient to allow any conclusion about variant significance. To our knowledge, no occurrence of c.1742C>T in individuals affected with Paganini-Miozzo Syndrome and no experimental evidence demonstrating its impact on protein function have been reported. ClinVar contains an entry for this variant (Variation ID: 1722364). Based on the evidence outlined above, the variant was classified as uncertain significance.

Greenwood Genetic Center Diagnostic Laboratories, Greenwood Genetic Center
Classification: Uncertain significance. Last evaluated: 2023-07-11. Review status: criteria provided, single submitter. Criteria: ACMG Guidelines, 2015. Collection method: clinical testing. Allele origin: germline. Affected: yes.
Comment: PM2

NM_001394073.1(HS6ST2):c.1742C>T (p.Pro581Leu)

Gene: HS6ST2 (heparan sulfate 6-O-sulfotransferase 2; minus strand). Cytogenetic location: Xq26.2.
Variant type: single nucleotide variant.
Coding change: c.1742C>T on transcript NM_001394073.1 (MANE Select); coding-DNA position 1742, C replaced by T.
Protein change: p.Pro581Leu; replaces proline 581 with leucine.
Molecular consequence: missense variant.
Genome position (GRCh38, 1-based): chrX:132,628,419, G>A on the plus strand (C>T on the coding strand, the complement: HS6ST2 is on the minus strand). VCF-style: chrX-132628419-G-A. GRCh37 (hg19) VCF-style: chrX-131762447-G-A.
Other names: c.1742C>T, p.Pro581Leu (NM_001077188.2); c.1622C>T, p.Pro541Leu (NM_001394074.1, NM_147175.4); short protein forms P541L, P581L.
Identifiers: ClinVar variation 1722364 (VCV001722364.3), dbSNP rs367714566, ClinGen allele CA414686349.
Genomic context (GRCh38, chrX:132,628,419, plus strand): 5'-AGATTCTGAGTCAGGTTCTGATTGGCATTCGGATTTGGGTTCTGACTCTGATTCTGATTC[G>A]GATTCTGGCTCTGGCCCTGACCCTGGCTCTGGAAATGGGTCTGAAGGAGCCTTCCCTTCA-3'
Protein context (NP_001381002.1, residues 571-591): QSQGQGQSQN[Pro581Leu]NQNQSQNPNP